The following is an entry in ClinVar:

NM_001369268.1(ACAN):c.7406C>G (p.Pro2469Arg)

Gene: ACAN (aggrecan; plus strand). Cytogenetic location: 15q26.1.
Variant type: single nucleotide variant.
Coding change: c.7406C>G on transcript NM_001369268.1 (MANE Select); coding-DNA position 7406, C replaced by G.
Protein change: p.Pro2469Arg; replaces proline 2469 with arginine.
Molecular consequence: missense variant.
Genome position (GRCh38, 1-based): chr15:88,872,984, C>G. VCF-style: chr15-88872984-C-G. GRCh37 (hg19) VCF-style: chr15-89416215-C-G.
Other names: c.7178C>G, p.Pro2393Arg (NM_001135.4, NM_001411096.1); c.7292C>G, p.Pro2431Arg (NM_001411097.1, NM_013227.4); short protein forms P2393R, P2469R, P2431R.
Identifiers: ClinVar variation 1907461 (VCV001907461.5), dbSNP rs1008765397, ClinGen allele CA274496585.

ClinVar aggregate classification (germline): Uncertain significance (1 of 4 stars; one submission).

Allele frequency attached by ClinVar (database versions not stated): gnomAD 0.00002; TOPMed 0.00002.

Submission:

Labcorp Genetics (formerly Invitae), Labcorp
Classification: Uncertain significance. Last evaluated: 2025-09-29. Review status: criteria provided, single submitter. Criteria: Invitae Variant Classification Sherloc (09022015). Collection method: clinical testing. Allele origin: germline.
Comment: This sequence change replaces proline, which is neutral and non-polar, with arginine, which is basic and polar, at codon 2431 of the ACAN protein (p.Pro2431Arg). This variant is not present in population databases (gnomAD no frequency). This variant has not been reported in the literature in individuals affected with ACAN-related conditions. ClinVar contains an entry for this variant (Variation ID: 1907461). An algorithm developed to predict the effect of missense changes on protein structure and function (PolyPhen-2) suggests that this variant is likely to be disruptive. In summary, the available evidence is currently insufficient to determine the role of this variant in disease. Therefore, it has been classified as a Variant of Uncertain Significance.